The following is an entry in ClinVar:

NM_012062.5(DNM1L):c.1487C>G (p.Thr496Arg)

Gene: DNM1L (dynamin 1 like; plus strand). Cytogenetic location: 12p11.21.
Variant type: single nucleotide variant.
Coding change: c.1487C>G on transcript NM_012062.5 (MANE Select); coding-DNA position 1487, C replaced by G.
Protein change: p.Thr496Arg; replaces threonine 496 with arginine.
Molecular consequence: missense variant.
Genome position (GRCh38, 1-based): chr12:32,733,755, C>G. VCF-style: chr12-32733755-C-G. GRCh37 (hg19) VCF-style: chr12-32886689-C-G.
Other names: c.1526C>G, p.Thr509Arg (NM_001330380.2, NM_001278464.2, NM_001278465.2); c.1487C>G, p.Thr496Arg (NM_005690.5, NM_012063.4, NM_001278463.2); c.878C>G, p.Thr293Arg (NM_001278466.2); short protein forms T509R, T293R, T496R.
Identifiers: ClinVar variation 2864806 (VCV002864806.3), dbSNP rs2541091574, ClinGen allele CA384360190.
Genomic context (GRCh38, chr12:32,733,755, plus strand): 5'-CTAACTTACTTTTTTTCTAGGTCCATAACTTAGTGGCAATTGAACTGGCTTATATCAACA[C>G]AAAACATCCAGACTTTGCTGATGCTTGTGGGCTAATGAACAATAATATAGAGGTAAATAT-3'
Protein context (NP_036192.2, residues 486-506): LVAIELAYIN[Thr496Arg]KHPDFADACG

ClinVar aggregate classification (germline): Likely pathogenic (1 of 4 stars; one submission).

Submission:

Labcorp Genetics (formerly Invitae), Labcorp
Classification: Likely pathogenic. Last evaluated: 2023-07-19. Review status: criteria provided, single submitter. Criteria: Invitae Variant Classification Sherloc (09022015). Collection method: clinical testing. Allele origin: germline.
Comment: In summary, the currently available evidence indicates that the variant is pathogenic, but additional data are needed to prove that conclusively. Therefore, this variant has been classified as Likely Pathogenic. An algorithm developed to predict the effect of missense changes on protein structure and function (PolyPhen-2) suggests that this variant is likely to be disruptive. This missense change has been observed in individual(s) with clinical features of encephalopathy (Invitae). In at least one individual the variant was observed to be de novo. This variant is not present in population databases (gnomAD no frequency). This sequence change replaces threonine, which is neutral and polar, with arginine, which is basic and polar, at codon 496 of the DNM1L protein (p.Thr496Arg).